The following is an entry in ClinVar:

NM_153240.5(NPHP3):c.1141G>A (p.Glu381Lys)

Genes: NPHP3-ACAD11 (NPHP3-ACAD11 readthrough (NMD candidate); minus strand), NPHP3 (nephrocystin 3; minus strand). Cytogenetic location: 3q22.1.
Variant type: single nucleotide variant.
Coding change: c.1141G>A on transcript NM_153240.5 (MANE Select); coding-DNA position 1141, G replaced by A.
Protein change: p.Glu381Lys; replaces glutamic acid 381 with lysine.
Molecular consequence: missense variant. On other transcripts: non-coding transcript variant (1).
Genome position (GRCh38, 1-based): chr3:132,708,235, C>T on the plus strand (G>A on the coding strand, the complement: NPHP3 is on the minus strand). VCF-style: chr3-132708235-C-T. GRCh37 (hg19) VCF-style: chr3-132427079-C-T.
Other names: c.1141G>A (NM_153240.4); short protein forms E381K.
Identifiers: ClinVar variation 598507 (VCV000598507.11), dbSNP rs748615630, ClinGen allele CA2622385.

ClinVar aggregate classification (germline): Uncertain significance. Review status: criteria provided, multiple submitters, no conflicts (2 of 4 stars). 5 submissions from 5 submitters: Uncertain significance (5). Last evaluated 2025-06-26.

Conditions:
Inborn genetic diseases. Identifiers: MedGen C0950123, MeSH D030342.
Renal-hepatic-pancreatic dysplasia 1 (RHPD1). Identifiers: MedGen C3715199, MONDO:0008833, OMIM 208540.
Nephronophthisis 3 (NPHP3). Also called: Adolescent nephronophthisis. Identifiers: Orphanet 655, MedGen C1858392, MONDO:0011456, OMIM 604387.
NPHP3-related Meckel-like syndrome. Also called: Meckel syndrome type 7; GOLDSTON SYNDROME. Identifiers: Orphanet 3032, MedGen C2673885, MONDO:0009966, OMIM 267010.
Nephronophthisis. Also called: Juvenile Nephronophthisis. Identifiers: Orphanet 655, MedGen C0687120, MONDO:0019005, HP:0000090.

Allele frequency attached by ClinVar (database versions not stated): gnomAD exomes 0.00001 and 0.00002; ExAC 0.00002; gnomAD 0.00002; TOPMed 0.00004.
gnomAD v4.1: 16 of 1,614,022 alleles (0.00099%); highest among the groups gnomAD compares: African/African-American, 0.011%; no homozygotes.

Submissions (5):

Ambry Genetics
Classification: Uncertain significance for Inborn genetic diseases. Last evaluated: 2025-06-26. Review status: criteria provided, single submitter. Criteria: Ambry Variant Classification Scheme 2023. Collection method: clinical testing. Allele origin: germline.

Blueprint Genetics
Classification: Uncertain significance. Last evaluated: 2024-10-30. Review status: criteria provided, single submitter. Criteria: ACMG Guidelines, 2015. Collection method: clinical testing. Allele origin: germline.

Fulgent Genetics
Classification: Uncertain significance for Renal-hepatic-pancreatic dysplasia 1; NPHP3-related Meckel-like syndrome; Nephronophthisis 3. Last evaluated: 2024-05-10. Review status: criteria provided, single submitter. Criteria: ACMG Guidelines, 2015. Collection method: clinical testing. Allele origin: germline.

Labcorp Genetics (formerly Invitae), Labcorp
Classification: Uncertain significance for Nephronophthisis. Last evaluated: 2022-08-23. Review status: criteria provided, single submitter. Criteria: Invitae Variant Classification Sherloc (09022015). Collection method: clinical testing. Allele origin: germline.
Comment: This sequence change replaces glutamic acid, which is acidic and polar, with lysine, which is basic and polar, at codon 381 of the NPHP3 protein (p.Glu381Lys). This variant is present in population databases (rs748615630, gnomAD 0.01%). This variant has not been reported in the literature in individuals affected with NPHP3-related conditions. ClinVar contains an entry for this variant (Variation ID: 598507). Algorithms developed to predict the effect of missense changes on protein structure and function are either unavailable or do not agree on the potential impact of this missense change (SIFT: "Deleterious"; PolyPhen-2: "Benign"; Align-GVGD: "Class C0"). Algorithms developed to predict the effect of sequence changes on RNA splicing suggest that this variant may disrupt the consensus splice site. In summary, the available evidence is currently insufficient to determine the role of this variant in disease. Therefore, it has been classified as a Variant of Uncertain Significance.

Eurofins Ntd Llc (ga)
Classification: Uncertain significance. Last evaluated: 2018-08-22. Review status: criteria provided, single submitter. Criteria: EGL ClinVar v180209 classification definitions. Collection method: clinical testing. Allele origin: germline. Observed: 1 variant allele, 1 heterozygote.